The following is an entry in ClinVar:

ClinVar aggregate classification (germline): Conflicting classifications of pathogenicity. Review status: criteria provided, conflicting classifications (1 of 4 stars). 3 submissions from 3 submitters: Uncertain significance (2); Likely benign (1). Last evaluated 2025-12-16.

Conditions:
Myofibrillar myopathy 5. Also called: FILAMINOPATHY, AUTOSOMAL DOMINANT; Filaminopathy (type). Identifiers: Orphanet 171445, MedGen C1836050, MONDO:0012289, OMIM 609524.
Hypertrophic cardiomyopathy 26. Also called: Cardiomyopathy, familial hypertrophic, 26. Identifiers: Orphanet 75249, MedGen C4310749, MONDO:0014883, OMIM 617047.
Distal myopathy with posterior leg and anterior hand involvement. Also called: WILLIAMS DISTAL MYOPATHY. Identifiers: Orphanet 63273, MedGen C3279722, MONDO:0013550, OMIM 614065.
Cardiovascular phenotype. Identifiers: MedGen CN230736.

Allele frequency attached by ClinVar (database versions not stated): TOPMed 0.00001; gnomAD exomes 0.00002; ExAC 0.00004.
gnomAD v4.1: 6 of 1,612,314 alleles (0.00037%); highest among the groups gnomAD compares: Admixed American, 0.0067%; no homozygotes.

Submissions (3):

Labcorp Genetics (formerly Invitae), Labcorp
Classification: Likely benign for Distal myopathy with posterior leg and anterior hand involvement; Myofibrillar myopathy 5; Hypertrophic cardiomyopathy 26. Last evaluated: 2025-12-16. Review status: criteria provided, single submitter. Criteria: Invitae Variant Classification Sherloc (09022015). Collection method: clinical testing. Allele origin: germline.

Ambry Genetics
Classification: Uncertain significance for Cardiovascular phenotype. Last evaluated: 2023-05-03. Review status: criteria provided, single submitter. Criteria: Ambry Variant Classification Scheme 2023. Collection method: clinical testing. Allele origin: germline.
Comment: The p.A2329G variant (also known as c.6986C>G), located in coding exon 41 of the FLNC gene, results from a C to G substitution at nucleotide position 6986. The alanine at codon 2329 is replaced by glycine, an amino acid with similar properties. This amino acid position is well conserved in available vertebrate species. In addition, the in silico prediction for this alteration is inconclusive. Since supporting evidence is limited at this time, the clinical significance of this alteration remains unclear.

GeneDx
Classification: Uncertain significance. Last evaluated: 2022-12-27. Review status: criteria provided, single submitter. Criteria: GeneDx Variant Classification Process June 2021. Collection method: clinical testing. Allele origin: germline. Affected: yes.
Comment: In silico analysis supports that this missense variant has a deleterious effect on protein structure/function; Has not been previously published as pathogenic or benign to our knowledge; In silico analysis suggests this variant may impact gene splicing. In the absence of RNA/functional studies, the actual effect of this sequence change is unknown.

NM_001458.5(FLNC):c.6986C>G (p.Ala2329Gly)

Genes: FLNC (filamin C; plus strand), FLNC-AS1 (FLNC antisense RNA 1; minus strand). Cytogenetic location: 7q32.1.
Variant type: single nucleotide variant.
Coding change: c.6986C>G on transcript NM_001458.5 (MANE Select); coding-DNA position 6986, C replaced by G.
Protein change: p.Ala2329Gly; replaces alanine 2329 with glycine.
Molecular consequence: missense variant.
Genome position (GRCh38, 1-based): chr7:128,854,671, C>G. VCF-style: chr7-128854671-C-G. GRCh37 (hg19) VCF-style: chr7-128494725-C-G.
Other names: c.6887C>G, p.Ala2296Gly (NM_001127487.2); short protein forms A2329G, A2296G.
Identifiers: ClinVar variation 574449 (VCV000574449.11), dbSNP rs746991573, ClinGen allele CA4476123.